The following is an entry in ClinVar:

ClinVar aggregate classification (germline): Uncertain significance (1 of 4 stars; one submission).

gnomAD v4.1: 7 of 1,609,310 alleles (0.00043%); highest among the groups gnomAD compares: Non-Finnish European, 0.00059%; no homozygotes.

Submission:

GeneDx
Classification: Uncertain significance. Last evaluated: 2023-10-26. Review status: criteria provided, single submitter. Criteria: GeneDx Variant Classification Process June 2021. Collection method: clinical testing. Allele origin: germline. Affected: yes.
Comment: Not observed at significant frequency in large population cohorts (gnomAD); In silico analysis supports that this missense variant does not alter protein structure/function; Has not been previously published as pathogenic or benign to our knowledge

NM_014915.3(ANKRD26):c.3665G>A (p.Arg1222Lys)

Gene: ANKRD26 (ankyrin repeat domain containing 26; minus strand). Cytogenetic location: 10p12.1.
Variant type: single nucleotide variant.
Coding change: c.3665G>A on transcript NM_014915.3 (MANE Select); coding-DNA position 3665, G replaced by A.
Protein change: p.Arg1222Lys; replaces arginine 1222 with lysine.
Molecular consequence: missense variant.
Genome position (GRCh38, 1-based): chr10:27,033,367, C>T on the plus strand (G>A on the coding strand, the complement: ANKRD26 is on the minus strand). VCF-style: chr10-27033367-C-T. GRCh37 (hg19) VCF-style: chr10-27322296-C-T.
Other names: c.3662G>A, p.Arg1221Lys (NM_001256053.2); short protein forms R1221K, R1222K.
Identifiers: ClinVar variation 3363611 (VCV003363611.1).